The following is an entry in ClinVar:

NM_001127671.2(LIFR):c.703_704del (p.Trp235fs)

Gene: LIFR (LIF receptor subunit alpha; minus strand). Cytogenetic location: 5p13.1.
Variant type: Deletion.
Coding change: c.703_704del on transcript NM_001127671.2 (MANE Select); coding-DNA positions 703 to 704, 2 bases deleted (TG; older notation c.703_704delTG).
Protein change: p.Trp235fs; shifts the reading frame from tryptophan 235.
Molecular consequence: frameshift variant.
Genome position (GRCh38, 1-based): chr5:38,511,822-38,511,823, CA deleted on the plus strand (TG on the coding strand, the reverse complement: LIFR is on the minus strand); deleting any 2 consecutive bases within chr5:38,511,822-38,511,824 gives the same sequence; the c. name uses the placement nearest the transcript's 3' end. VCF-style (leftmost placement, unchanged base first): chr5-38511821-CCA-C. GRCh37 (hg19) VCF-style: chr5-38511923-CCA-C.
Other names: c.703_704del, p.Trp235fs (NM_001364297.2, NM_001364298.2, NM_002310.6); short protein forms W235fs.
Identifiers: ClinVar variation 2444108 (VCV002444108.1), dbSNP rs2531071182, ClinGen allele CA2580073253.

ClinVar aggregate classification (germline): Pathogenic (1 of 4 stars; one submission).

Conditions:
Stüve-Wiedemann syndrome 1. Also called: STUVE-WIEDEMANN/SCHWARTZ-JAMPEL TYPE 2 SYNDROME. Identifiers: Orphanet 3206, MedGen C5676888, MONDO:0800043, OMIM 601559.

Submission:

3billion
Classification: Pathogenic for Stüve-Wiedemann syndrome 1. Last evaluated: 2023-02-23. Review status: criteria provided, single submitter. Criteria: ACMG Guidelines, 2015. Collection method: clinical testing. Allele origin: unknown. Affected: yes.
Comment: The variant is not observed in the gnomAD v2.1.1 dataset. This variant was predicted to result in a loss or disruption of normal protein function through nonsense-mediated decay (NMD) or protein truncation. Multiple pathogenic variants are reported downstream of the variant. Therefore, this variant is classified as Pathogenic according to the recommendation of ACMG/AMP guideline.